The following is an entry in ClinVar:

ClinVar aggregate classification (germline): Uncertain significance. Review status: criteria provided, multiple submitters, no conflicts (2 of 4 stars). 3 submissions from 3 submitters: Uncertain significance (3). Last evaluated 2026-03-19.

Conditions:
PKD1-related disorder. Also called: PKD1-related condition.
Polycystic kidney disease, adult type (PKD1). Also called: POLYCYSTIC KIDNEY DISEASE 1 WITH OR WITHOUT POLYCYSTIC LIVER DISEASE; POLYCYSTIC KIDNEY DISEASE, ADULT, TYPE I; Polycystic Kidney Disease 1, Autosomal Dominant; Polycystic kidney disease 1; Polycystic kidney disease 1, severe; Polycystic Kidney, Autosomal Dominant. Identifiers: MedGen C3149841, MONDO:0008263, OMIM 173900.

Allele frequency attached by ClinVar (database versions not stated): gnomAD exomes 0.00001; ExAC 0.00002; TOPMed 0.00002; gnomAD 0.00003.
gnomAD v4.1: 14 of 1,610,188 alleles (0.00087%); highest among the groups gnomAD compares: Non-Finnish European, 0.0012%; no homozygotes.

Submissions (3):

PreventionGenetics, part of Exact Sciences
Classification: Uncertain significance for PKD1-related condition. Last evaluated: 2026-03-19. Review status: criteria provided, single submitter. Criteria: ACMG Guidelines, 2015. Collection method: clinical testing. Allele origin: germline.
Comment: The PKD1 c.3334G>A variant is predicted to result in the amino acid substitution p.Glu1112Lys. To our knowledge, this variant has not been reported in the literature. This variant is reported in 0.0032% of alleles in individuals of European (Non-Finnish) descent in gnomAD. At this time, the clinical significance of this variant is uncertain due to the absence of conclusive functional and genetic evidence.

Fulgent Genetics
Classification: Uncertain significance for Polycystic kidney disease, adult type. Last evaluated: 2024-04-02. Review status: criteria provided, single submitter. Criteria: ACMG Guidelines, 2015. Collection method: clinical testing. Allele origin: germline.

Department of Pathology and Laboratory Medicine, Sinai Health System
Classification: Uncertain significance. Last evaluated: 2016-05-03. Review status: criteria provided, single submitter. Criteria: ACMG Guidelines, 2015. Collection method: clinical testing. Allele origin: germline. Affected: yes. Study: The Canadian Open Genetics Repository (COGR).

NM_001009944.3(PKD1):c.3334G>A (p.Glu1112Lys)

Gene: PKD1 (polycystin 1, transient receptor potential channel interacting; minus strand). Cytogenetic location: 16p13.3.
Variant type: single nucleotide variant.
Coding change: c.3334G>A on transcript NM_001009944.3 (MANE Select); coding-DNA position 3334, G replaced by A.
Protein change: p.Glu1112Lys; replaces glutamic acid 1112 with lysine.
Molecular consequence: missense variant.
Genome position (GRCh38, 1-based): chr16:2,111,833, C>T on the plus strand (G>A on the coding strand, the complement: PKD1 is on the minus strand). VCF-style: chr16-2111833-C-T. GRCh37 (hg19) VCF-style: chr16-2161834-C-T.
Other names: c.3334G>A, p.Glu1112Lys (NM_000296.4); short protein forms E1112K.
Identifiers: ClinVar variation 433957 (VCV000433957.3), dbSNP rs770755888, ClinGen allele CA7832809.
Genomic context (GRCh38, chr16:2,111,833, plus strand): 5'-CCACAGCCACGGAGGGCAGGGAGGCGCGCACGCTCACAGGCACCTGCTGCGTCAGGTTCT[C>T]GAAGGCATTAGATGCCAGCACGGTCAGGAGGTACTCACCTGTGGGGACAGGCCCGAGTGG-3'
Protein context (NP_001009944.3, residues 1102-1122): LLTVLASNAF[Glu1112Lys]NLTQQVPVSV